The following is an entry in ClinVar:

NM_000059.4(BRCA2):c.7977-5T>C

Gene: BRCA2 (BRCA2 DNA repair associated; plus strand). Cytogenetic location: 13q13.1.
Variant type: single nucleotide variant.
Coding change: c.7977-5T>C on transcript NM_000059.4 (MANE Select); 5 bases into the intron before coding-DNA position 7977, T replaced by C.
Molecular consequence: intron variant.
Genome position (GRCh38, 1-based): chr13:32,363,174, T>C. VCF-style: chr13-32363174-T-C. GRCh37 (hg19) VCF-style: chr13-32937311-T-C.
Identifiers: ClinVar variation 827369 (VCV000827369.39), dbSNP rs1593924692, ClinGen allele CA915946886.
Genomic context (GRCh38, chr13:32,363,174, plus strand): 5'-TTGTTTAAACAGTGGAATTCTAGAGTCACACTTCCTAAAATATGCATTTTTGTTTTCACT[T>C]TTAGATATGATACGGAAATTGATAGAAGCAGAAGATCGGCTATAAAAAAGATAATGGAAA-3'

ClinVar aggregate classification (germline): Uncertain significance. Review status: criteria provided, multiple submitters, no conflicts (2 of 4 stars). 2 submissions from 2 submitters: Uncertain significance (2). Last evaluated 2024-02-27.

Conditions:
Hereditary cancer-predisposing syndrome. Also called: Hereditary Cancer Syndrome; Neoplastic Syndromes, Hereditary; Tumor predisposition; Hereditary neoplastic syndrome. Identifiers: Orphanet 140162, MedGen C0027672, MeSH D009386, MONDO:0015356.

Submissions (2):

Ambry Genetics
Classification: Uncertain significance for Hereditary cancer-predisposing syndrome. Last evaluated: 2024-02-27. Review status: criteria provided, single submitter. Criteria: Ambry Variant Classification Scheme 2023. Collection method: clinical testing. Allele origin: germline.
Comment: The c.7977-5T>C intronic variant results from a T to C substitution 5 nucleotides upstream from coding exon 17 in the BRCA2 gene. This nucleotide position is well conserved in available vertebrate species. In silico splice site analysis predicts that this alteration will not have any significant effect on splicing. RNA studies have demonstrated that this alteration results in a splice defect; the clinical impact of this abnormal splicing is unknown at this time (Ambry internal data). Since supporting evidence is limited at this time, the clinical significance of this alteration remains unclear.

CeGaT Center for Human Genetics Tuebingen
Classification: Uncertain significance. Last evaluated: 2021-10-01. Review status: criteria provided, single submitter. Criteria: CeGaT Center For Human Genetics Tuebingen Variant Classification Criteria Version 2. Collection method: clinical testing. Allele origin: germline. Affected: yes. Observed: 1 variant allele.